The following is an entry in ClinVar:

NM_001267550.2(TTN):c.58244del (p.Lys19415fs)

Genes: TTN-AS1 (TTN antisense RNA 1; plus strand), TTN (titin; minus strand). Cytogenetic location: 2q31.2.
Variant type: Deletion.
Coding change: c.58244del on transcript NM_001267550.2 (MANE Select); coding-DNA position 58244, one base deleted (A; older notation c.58244delA).
Protein change: p.Lys19415fs; shifts the reading frame from lysine 19415.
Molecular consequence: frameshift variant.
Genome position (GRCh38, 1-based): chr2:178,594,149, T deleted on the plus strand (A on the coding strand, the reverse complement: TTN is on the minus strand); the first of 3 consecutive T bases (chr2:178,594,149-178,594,151); deleting any one gives the same sequence. VCF-style (leftmost placement, unchanged base first): chr2-178594148-CT-C. GRCh37 (hg19) VCF-style: chr2-179458875-CT-C.
Other names: c.53321del, p.Lys17774fs (NM_001256850.1); c.31049del, p.Lys10350fs (NM_003319.4); c.50540del, p.Lys16847fs (NM_133378.4); c.31424del, p.Lys10475fs (NM_133432.3); c.31625del, p.Lys10542fs (NM_133437.4); short protein forms K10475fs, K19415fs, K17774fs, K10350fs, K10542fs, K16847fs.
Identifiers: ClinVar variation 2948581 (VCV002948581.3), dbSNP rs2469616834, ClinGen allele CA2740090964.
Genomic context (GRCh38, chr2:178,594,148, plus strand): 5'-TATATGAGTGCGATCATCTTCCAGCACATCAGCTTCATCTTTGAACCAGGAAACCTTAGG[CT>C]TTGGTTTGCCTGAGTAACGGCCAGTGAGGGCAAAAGCTTCACCAACTCGAATCGTGAGCT-3'

ClinVar aggregate classification (germline): Likely pathogenic (1 of 4 stars; one submission).

Conditions:
Dilated cardiomyopathy 1G (CMD1G). Identifiers: Orphanet 154, MedGen C1858763, MONDO:0011400, OMIM 604145.
Autosomal recessive limb-girdle muscular dystrophy type 2J (LGMDR10). Also called: Limb-girdle muscular dystrophy, type 2J; MUSCULAR DYSTROPHY, LIMB-GIRDLE, AUTOSOMAL RECESSIVE 10. Identifiers: Orphanet 140922, MedGen C1837342, MONDO:0012127, OMIM 608807.

Submission:

Labcorp Genetics (formerly Invitae), Labcorp
Classification: Likely pathogenic for Dilated cardiomyopathy 1G; Autosomal recessive limb-girdle muscular dystrophy type 2J. Last evaluated: 2023-06-05. Review status: criteria provided, single submitter. Criteria: Invitae Variant Classification Sherloc (09022015). Collection method: clinical testing. Allele origin: germline.
Comment: In summary, the currently available evidence indicates that the variant is pathogenic, but additional data are needed to prove that conclusively. Therefore, this variant has been classified as Likely Pathogenic. This variant is located in the A band of TTN (PMID: 25589632). Truncating variants in this region are significantly overrepresented in patients affected with dilated cardiomyopathy (PMID: 25589632). Truncating variants in this region have also been reported in individuals affected with autosomal recessive centronuclear myopathy (PMID: 23975875). This variant has not been reported in the literature in individuals affected with TTN-related conditions. This variant is not present in population databases (gnomAD no frequency). This sequence change creates a premature translational stop signal (p.Lys19415Serfs*21) in the TTN gene. While this is not anticipated to result in nonsense mediated decay, it is expected to create a truncated TTN protein.

Literature cited by the submitters: PubMed 25589632; PubMed 23975875.